The following is an entry in ClinVar:

ClinVar aggregate classification (germline): Uncertain significance (1 of 4 stars; one submission).

Conditions:
Spastic paraplegia. Identifiers: MedGen C0037772, HP:0001258.

gnomAD v4.1: 2 of 1,606,366 alleles (0.00012%); highest among the groups gnomAD compares: Middle Eastern, 0.033%; no homozygotes.

Submission:

Labcorp Genetics (formerly Invitae), Labcorp
Classification: Uncertain significance for Spastic paraplegia. Last evaluated: 2019-02-20. Review status: criteria provided, single submitter. Criteria: Invitae Variant Classification Sherloc (09022015). Collection method: clinical testing. Allele origin: germline.
Comment: In summary, the available evidence is currently insufficient to determine the role of this variant in disease. Therefore, it has been classified as a Variant of Uncertain Significance. Algorithms developed to predict the effect of missense changes on protein structure and function are either unavailable or do not agree on the potential impact of this missense change (SIFT: "Deleterious"; PolyPhen-2: "Probably Damaging"; Align-GVGD: "Class C0"). This variant has not been reported in the literature in individuals with ARSI-related conditions. This variant is not present in population databases (ExAC no frequency). This sequence change replaces aspartic acid with histidine at codon 372 of the ARSI protein (p.Asp372His). The aspartic acid residue is moderately conserved and there is a moderate physicochemical difference between aspartic acid and histidine.

NM_001012301.4(ARSI):c.1114G>C (p.Asp372His)

Gene: ARSI (arylsulfatase family member I; minus strand). Cytogenetic location: 5q32.
Variant type: single nucleotide variant.
Coding change: c.1114G>C on transcript NM_001012301.4 (MANE Select); coding-DNA position 1114, G replaced by C.
Protein change: p.Asp372His; replaces aspartic acid 372 with histidine.
Molecular consequence: missense variant.
Genome position (GRCh38, 1-based): chr5:150,297,810, C>G on the plus strand (G>C on the coding strand, the complement: ARSI is on the minus strand). VCF-style: chr5-150297810-C-G. GRCh37 (hg19) VCF-style: chr5-149677373-C-G.
Other names: short protein forms D372H.
Identifiers: ClinVar variation 844197 (VCV000844197.9), dbSNP rs150211860, ClinGen allele CA361729479.
Genomic context (GRCh38, chr5:150,297,810, plus strand): 5'-TGTTGTGCAGGATCTCCGTGCGTGGTGAGGCCCGGCCCTCGCTGATGGCCGGCCACACGT[C>G]GTAGCCATCTAGCCCATCGGCTGCTGAGGTGGTACCACCTGCCAGACCCACCAGGGTCGG-3'
Protein context (NP_001012301.1, residues 362-382): TSAADGLDGY[Asp372His]VWPAISEGRA